The following is an entry in ClinVar:

NM_001163435.3(TBCK):c.456-1G>A

Gene: TBCK (TBC1 domain containing kinase; minus strand). Cytogenetic location: 4q24.
Variant type: single nucleotide variant.
Coding change: c.456-1G>A on transcript NM_001163435.3 (MANE Select); the canonical splice acceptor site of the intron before coding-DNA position 456, G replaced by A.
Molecular consequence: splice acceptor variant.
Genome position (GRCh38, 1-based): chr4:106,252,008, C>T on the plus strand (G>A on the coding strand, the complement: TBCK is on the minus strand). VCF-style: chr4-106252008-C-T. GRCh37 (hg19) VCF-style: chr4-107173165-C-T.
Other names: c.456-1G>A (NM_001163436.4, NM_001163437.3); c.267-1G>A (NM_033115.5); c.-61-1G>A (NM_001290768.2).
Identifiers: ClinVar variation 4730690 (VCV004730690.2).
Genomic context (GRCh38, chr4:106,252,008, plus strand): 5'-TGATCAGTGGTTTTGAAAATTCCCTGTGCAATTACCTCAGGGGCCAAGTACGAGGGATAC[C>T]TGTAATGATACATTAAAATAATGAAAAATTACAACAGGGAAAGAAGCGATAGTACATTTT-3'

ClinVar aggregate classification (germline): Pathogenic/Likely pathogenic. Review status: criteria provided, multiple submitters, no conflicts (2 of 4 stars). 2 submissions from 2 submitters: Pathogenic (1); Likely pathogenic (1). Last evaluated 2025-11-11.

Submissions (2):

Labcorp Genetics (formerly Invitae), Labcorp
Classification: Likely pathogenic. Last evaluated: 2025-11-11. Review status: criteria provided, single submitter. Criteria: Invitae Variant Classification Sherloc (09022015). Collection method: clinical testing. Allele origin: germline.
Comment: This sequence change affects an acceptor splice site in intron 5 of the TBCK gene. It is expected to disrupt RNA splicing. Variants that disrupt the donor or acceptor splice site typically lead to a loss of protein function (PMID: 16199547), and loss-of-function variants in TBCK are known to be pathogenic (PMID: 27040692, 30103036). This variant is not present in population databases (gnomAD no frequency). This variant has not been reported in the literature in individuals affected with TBCK-related conditions. Algorithms developed to predict the effect of sequence changes on RNA splicing suggest that this variant may disrupt the consensus splice site. In summary, the currently available evidence indicates that the variant is pathogenic, but additional data are needed to prove that conclusively. Therefore, this variant has been classified as Likely Pathogenic.

GeneDx
Classification: Pathogenic. Last evaluated: 2025-06-30. Review status: criteria provided, single submitter. Criteria: GeneDx Variant Classification Process June 2021. Collection method: clinical testing. Allele origin: germline. Affected: yes.
Comment: Canonical splice site variant predicted to result in a null allele in a gene for which loss of function is a known mechanism of disease; Not observed at significant frequency in large population cohorts (gnomAD); Has not been previously published as pathogenic or benign to our knowledge

Literature cited by the submitters: PubMed 16199547 (cited by Labcorp Genetics (formerly Invitae), Labcorp); PubMed 27040692 (cited by Labcorp Genetics (formerly Invitae), Labcorp); PubMed 30103036 (cited by Labcorp Genetics (formerly Invitae), Labcorp).